The following is an entry in ClinVar:

NM_032119.4(ADGRV1):c.18625-7T>C

Gene: ADGRV1 (adhesion G protein-coupled receptor V1; plus strand). Cytogenetic location: 5q14.3.
Variant type: single nucleotide variant.
Coding change: c.18625-7T>C on transcript NM_032119.4 (MANE Select); 7 bases into the intron before coding-DNA position 18625, T replaced by C.
Molecular consequence: intron variant.
Genome position (GRCh38, 1-based): chr5:91,153,214, T>C. VCF-style: chr5-91153214-T-C. GRCh37 (hg19) VCF-style: chr5-90449031-T-C.
Other names: p.?.
Identifiers: ClinVar variation 46299 (VCV000046299.43), dbSNP rs7726023, ClinGen allele CA138081.

ClinVar aggregate classification (germline): Benign. Review status: criteria provided, multiple submitters, no conflicts (2 of 4 stars). 12 submissions from 12 submitters: Benign (9). 3 of the submissions do not count toward it. Last evaluated 2026-06-12.

Conditions:
Usher syndrome type 2C. Also called: Usher syndrome, type 2B; USHER SYNDROME, TYPE IIC. Identifiers: Orphanet 231178, Orphanet 886, MedGen C2931213, MONDO:0011558, OMIM 605472.

Allele frequency attached by ClinVar (database versions not stated): ExAC 0.92640; 1000 Genomes Project 30x 0.89788; ESP Exome Variant Server 0.91668; gnomAD exomes 0.93486 and 0.92496; 1000 Genomes Project 0.89836; TOPMed 0.90852; gnomAD 0.91136 and 0.91197.
gnomAD v4.1: 1,489,878 of 1,597,782 alleles (93%); highest among the groups gnomAD compares: Non-Finnish European, 94%; 695,135 homozygotes.

Submissions (12):

Women's Health and Genetics/Laboratory Corporation of America, LabCorp
Classification: Benign. Last evaluated: 2026-06-12. Review status: criteria provided, single submitter. Criteria: LabCorp Variant Classification Summary - May 2015. Collection method: clinical testing. Allele origin: germline.

Labcorp Genetics (formerly Invitae), Labcorp
Classification: Benign. Last evaluated: 2026-02-04. Review status: criteria provided, single submitter. Criteria: Invitae Variant Classification Sherloc (09022015). Collection method: clinical testing. Allele origin: germline.

ARUP Laboratories, Molecular Genetics and Genomics, ARUP Laboratories
Classification: Benign. Last evaluated: 2023-11-29. Review status: criteria provided, single submitter. Criteria: ARUP Molecular Germline Variant Investigation Process 2024. Collection method: clinical testing. Allele origin: germline.

Genome-Nilou Lab
Classification: Benign for Usher syndrome type 2C. Last evaluated: 2021-08-10. Review status: criteria provided, single submitter. Criteria: ACMG Guidelines, 2015. Collection method: clinical testing. Allele origin: germline. Affected: no.

Mayo Clinic Laboratories, Mayo Clinic
Classification: Benign. Last evaluated: 2019-05-15. Review status: criteria provided, single submitter. Criteria: ACMG Guidelines, 2015. Collection method: clinical testing. Allele origin: germline. Observed: 159 variant alleles.

Illumina Laboratory Services, Illumina
Classification: Benign for Usher syndrome type 2C. Last evaluated: 2018-01-12. Review status: criteria provided, single submitter. Criteria: ICSL Variant Classification Criteria 13 December 2019. Collection method: clinical testing. Allele origin: germline.
Comment: This variant was observed in the ICSL laboratory as part of a predisposition screen in an ostensibly healthy population. It had not been previously curated by ICSL or reported in the Human Gene Mutation Database (HGMD: prior to June 1st, 2018), and was therefore a candidate for classification through an automated scoring system. Utilizing variant allele frequency, disease prevalence and penetrance estimates, and inheritance mode, an automated score was calculated to assess if this variant is too frequent to cause the disease. Based on the score and internal cut-off values, a variant classified as benign is not then subjected to further curation. The score for this variant resulted in a classification of benign for this disease.

GeneDx
Classification: Benign. Last evaluated: 2015-03-03. Review status: criteria provided, single submitter. Criteria: GeneDx Variant Classification Process June 2021. Collection method: clinical testing. Allele origin: germline. Affected: yes.

Laboratory for Molecular Medicine, Mass General Brigham Personalized Medicine
Classification: Benign. Last evaluated: 2012-02-02. Review status: criteria provided, single submitter. Criteria: LMM Criteria. Collection method: clinical testing. Allele origin: germline. Observed: 1,573 variant alleles.
Comment: Inferred frequency = 264/301 (LMM data)

PreventionGenetics, part of Exact Sciences
Classification: Benign. Review status: criteria provided, single submitter. Criteria: ACMG Guidelines, 2015. Collection method: clinical testing. Allele origin: germline.

Diagnostic Laboratory, Department of Genetics, University Medical Center Groningen
Classification: Benign. Review status: no assertion criteria provided. Collection method: clinical testing. Allele origin: germline. Affected: yes. Study: VKGL Data-share Consensus. Not counted in ClinVar's aggregate classification.

Genetic Services Laboratory, University of Chicago
Classification: Likely benign. Review status: no assertion criteria provided. Collection method: clinical testing. Allele origin: germline. Inheritance: Autosomal dominant inheritance. Not counted in ClinVar's aggregate classification.
Comment: Likely benign based on allele frequency in 1000 Genomes Project or ESP global frequency and its presence in a patient with a rare or unrelated disease phenotype. NOT Sanger confirmed

Joint Genome Diagnostic Labs from Nijmegen and Maastricht, Radboudumc and MUMC+
Classification: Benign. Review status: no assertion criteria provided. Collection method: clinical testing. Allele origin: germline. Affected: yes. Study: VKGL Data-share Consensus. Not counted in ClinVar's aggregate classification.